The following is an entry in ClinVar:

NM_004006.3(DMD):c.832-2A>C

Gene: DMD (dystrophin; minus strand). Cytogenetic location: Xp21.1.
Variant type: single nucleotide variant.
Coding change: c.832-2A>C on transcript NM_004006.3 (MANE Select); the canonical splice acceptor site of the intron before coding-DNA position 832, A replaced by C.
Molecular consequence: splice acceptor variant.
Genome position (GRCh38, 1-based): chrX:32,698,000, T>G on the plus strand (A>C on the coding strand, the complement: DMD is on the minus strand). VCF-style: chrX-32698000-T-G. GRCh37 (hg19) VCF-style: chrX-32716117-T-G.
Other names: c.808-2A>C (NM_000109.4); c.820-2A>C (NM_004009.3); c.463-2A>C (NM_004010.3).
Identifiers: ClinVar variation 851300 (VCV000851300.11), dbSNP rs2063781031, ClinGen allele CA412668770.

ClinVar aggregate classification (germline): Likely pathogenic. Review status: criteria provided, multiple submitters, no conflicts (2 of 4 stars). 3 submissions from 3 submitters: Likely pathogenic (3). Last evaluated 2023-05-16.

Conditions:
Duchenne muscular dystrophy (DMD). Also called: Duchenne Muscular Dystrophy (DMD); MUSCULAR DYSTROPHY, PSEUDOHYPERTROPHIC PROGRESSIVE, DUCHENNE TYPE. Identifiers: Orphanet 98896, MedGen C0013264, MONDO:0010679, OMIM 310200.

Submissions (3):

Revvity Omics, Revvity
Classification: Likely pathogenic. Last evaluated: 2023-05-16. Review status: criteria provided, single submitter. Criteria: ACMG Guidelines, 2015. Collection method: clinical testing. Allele origin: germline.

Labcorp Genetics (formerly Invitae), Labcorp
Classification: Likely pathogenic for Duchenne muscular dystrophy. Last evaluated: 2019-01-25. Review status: criteria provided, single submitter. Criteria: Invitae Variant Classification Sherloc (09022015). Collection method: clinical testing. Allele origin: germline.
Comment: In summary, the currently available evidence indicates that the variant is pathogenic, but additional data are needed to prove that conclusively. Therefore, this variant has been classified as Likely Pathogenic. Donor and acceptor splice site variants typically lead to a loss of protein function (PMID: 16199547), and loss-of-function variants in DMD are known to be pathogenic (PMID: 16770791, 25007885). Algorithms developed to predict the effect of sequence changes on RNA splicing suggest that this variant may disrupt the consensus splice site, but this prediction has not been confirmed by published transcriptional studies. This variant has not been reported in the literature in individuals with DMD-related conditions. This variant is not present in population databases (ExAC no frequency). This sequence change affects an acceptor splice site in intron 8 of the DMD gene. It is expected to disrupt RNA splicing and likely results in an absent or disrupted protein product.

Kariminejad - Najmabadi Pathology & Genetics Center
Classification: Likely pathogenic for Duchenne muscular dystrophy. Review status: criteria provided, single submitter. Criteria: ACMG Guidelines, 2015. Collection method: clinical testing. Allele origin: germline. Affected: no.

Literature cited by the submitters: PubMed 16199547 (cited by Labcorp Genetics (formerly Invitae), Labcorp); PubMed 16770791 (cited by Labcorp Genetics (formerly Invitae), Labcorp); PubMed 25007885 (cited by Labcorp Genetics (formerly Invitae), Labcorp).